The following is an entry in ClinVar:

NM_004369.4(COL6A3):c.4595C>T (p.Ala1532Val)

Gene: COL6A3 (collagen type VI alpha 3 chain; minus strand). Cytogenetic location: 2q37.3.
Variant type: single nucleotide variant.
Coding change: c.4595C>T on transcript NM_004369.4 (MANE Select); coding-DNA position 4595, C replaced by T.
Protein change: p.Ala1532Val; replaces alanine 1532 with valine.
Molecular consequence: missense variant.
Genome position (GRCh38, 1-based): chr2:237,368,868, G>A on the plus strand (C>T on the coding strand, the complement: COL6A3 is on the minus strand). VCF-style: chr2-237368868-G-A. GRCh37 (hg19) VCF-style: chr2-238277511-G-A.
Other names: c.2774C>T, p.Ala925Val (NM_057166.5); c.3977C>T, p.Ala1326Val (NM_057167.4); short protein forms A1326V, A1532V, A925V.
Identifiers: ClinVar variation 863929 (VCV000863929.17), dbSNP rs372247515, ClinGen allele CA2188859.
Genomic context (GRCh38, chr2:237,368,868, plus strand): 5'-GATTTTCCACCCAGGACCAGGACCAGGTGTTGGGGCACCCCGTCTTCTATGCGACTCCCC[G>A]CAGACTTAACAAAGAGGTTTCTTGCCACAAATTCGAGAGCCTTGCCAGTGTTCAGTGGGG-3'
Protein context (NP_004360.2, residues 1522-1542): FVARNLFVKS[Ala1532Val]GSRIEDGVPQ

ClinVar aggregate classification (germline): Conflicting classifications of pathogenicity. Review status: criteria provided, conflicting classifications (1 of 4 stars). 5 submissions from 5 submitters: Uncertain significance (3); Benign (1); Likely benign (1). Last evaluated 2025-11-05.

Conditions:
Collagen 6-related myopathy. Identifiers: MedGen CN117976, MONDO:0100225.
Bethlem myopathy 1A. Also called: MYOPATHY, BENIGN CONGENITAL, WITH CONTRACTURES; Bethlem myopathy 1; Bethlem Muscular Dystrophy. Identifiers: Orphanet 610, MedGen CN029274, MONDO:0024530, OMIM 158810.
Inborn genetic diseases. Identifiers: MedGen C0950123, MeSH D030342.

Allele frequency attached by ClinVar (database versions not stated): ExAC 0.00004; gnomAD exomes 0.00006 and 0.00008; ESP Exome Variant Server 0.00008; gnomAD 0.00008; TOPMed 0.00009.
gnomAD v4.1: 130 of 1,614,038 alleles (0.0081%); highest among the groups gnomAD compares: East Asian, 0.022%; no homozygotes.

Submissions (5):

Labcorp Genetics (formerly Invitae), Labcorp
Classification: Benign for Bethlem myopathy 1A. Last evaluated: 2025-11-05. Review status: criteria provided, single submitter. Criteria: Invitae Variant Classification Sherloc (09022015). Collection method: clinical testing. Allele origin: germline.

Ambry Genetics
Classification: Uncertain significance for Inborn genetic diseases. Last evaluated: 2025-04-07. Review status: criteria provided, single submitter. Criteria: Ambry Variant Classification Scheme 2023. Collection method: clinical testing. Allele origin: germline.

Revvity Omics, Revvity
Classification: Uncertain significance. Last evaluated: 2023-03-16. Review status: criteria provided, single submitter. Criteria: ACMG Guidelines, 2015. Collection method: clinical testing. Allele origin: germline.

GeneDx
Classification: Uncertain significance. Last evaluated: 2022-10-12. Review status: criteria provided, single submitter. Criteria: GeneDx Variant Classification Process June 2021. Collection method: clinical testing. Allele origin: germline. Affected: yes.
Comment: In silico analysis supports that this missense variant has a deleterious effect on protein structure/function; Has not been previously published as pathogenic or benign to our knowledge

Illumina Laboratory Services, Illumina
Classification: Likely benign for Collagen VI-related myopathy. Last evaluated: 2018-03-06. Review status: criteria provided, single submitter. Criteria: ICSL Variant Classification Criteria 13 December 2019. Collection method: clinical testing. Allele origin: germline.
Comment: This variant was observed in the ICSL laboratory as part of a predisposition screen in an ostensibly healthy population. It had not been previously curated by ICSL or reported in the Human Gene Mutation Database (HGMD: prior to June 1st, 2018), and was therefore a candidate for classification through an automated scoring system. Utilizing variant allele frequency, disease prevalence and penetrance estimates, and inheritance mode, an automated score was calculated to assess if this variant is too frequent to cause the disease. Based on the score and internal cut-off values, a variant classified as likely benign is not then subjected to further curation. The score for this variant resulted in a classification of likely benign for this disease.